The following is an entry in ClinVar:

ClinVar aggregate classification (germline): Uncertain significance (1 of 4 stars; one submission).

Conditions:
Muscular dystrophy-dystroglycanopathy (congenital with impaired intellectual development), type B, 14. Also called: Muscular dystrophy-dystroglycanopathy (congenital with intellectual disability), type B14; MUSCULAR DYSTROPHY, CONGENITAL, GMPPB-RELATED; Congenital muscular dystrophy-dystroglycanopathy with mental retardation, type B14. Identifiers: MedGen C3809221, MONDO:0014141, OMIM 615351.
Muscular dystrophy-dystroglycanopathy (congenital with brain and eye anomalies), type A14. Also called: WALKER-WARBURG SYNDROME OR MUSCLE-EYE-BRAIN DISEASE, GMPPB-RELATED; Muscular dystrophy-dystroglycanopathy (congenital with brain and eye anomalies), type a, 14; Congenital Muscular Dystrophy-Dystroglycanopathy with Brain and Eye Anomalies Type A 14; Congenital muscular dystrophy-dystroglycanopathy with brain and eye anomalies, type A14. Identifiers: Orphanet 588, MedGen C3809216, MONDO:0014140, OMIM 615350.
Autosomal recessive limb-girdle muscular dystrophy type 2T. Also called: MUSCULAR DYSTROPHY-DYSTROGLYCANOPATHY, LIMB-GIRDLE, GMPPB-RELATED; MUSCULAR DYSTROPHY, LIMB-GIRDLE, TYPE 2T; Muscular dystrophy-dystroglycanopathy (limb-girdle), type c, 14; Limb-girdle muscular dystrophy-dystroglycanopathy, type C14. Identifiers: Orphanet 363623, MedGen C4518000, MONDO:0014142, OMIM 615352.

gnomAD v4.1: 4 of 1,614,038 alleles (0.00025%); highest among the groups gnomAD compares: Middle Eastern, 0.033%; no homozygotes.

Submission:

Labcorp Genetics (formerly Invitae), Labcorp
Classification: Uncertain significance for Autosomal recessive limb-girdle muscular dystrophy type 2T; Muscular dystrophy-dystroglycanopathy (congenital with brain and eye anomalies), type A14; Muscular dystrophy-dystroglycanopathy (congenital with impaired intellectual development), type B, 14. Last evaluated: 2022-06-27. Review status: criteria provided, single submitter. Criteria: Invitae Variant Classification Sherloc (09022015). Collection method: clinical testing. Allele origin: germline.
Comment: This sequence change replaces methionine, which is neutral and non-polar, with arginine, which is basic and polar, at codon 64 of the GMPPB protein (p.Met64Arg). This variant is present in population databases (no rsID available, gnomAD 0.0009%). This variant has not been reported in the literature in individuals affected with GMPPB-related conditions. Algorithms developed to predict the effect of missense changes on protein structure and function are either unavailable or do not agree on the potential impact of this missense change (SIFT: "Deleterious"; PolyPhen-2: "Possibly Damaging"; Align-GVGD: "Class C0"). In summary, the available evidence is currently insufficient to determine the role of this variant in disease. Therefore, it has been classified as a Variant of Uncertain Significance.

NM_021971.4(GMPPB):c.191T>G (p.Met64Arg)

Gene: GMPPB (GDP-mannose pyrophosphorylase B; minus strand). Cytogenetic location: 3p21.31.
Variant type: single nucleotide variant.
Coding change: c.191T>G on transcript NM_021971.4 (MANE Select); coding-DNA position 191, T replaced by G.
Protein change: p.Met64Arg; replaces methionine 64 with arginine.
Molecular consequence: missense variant.
Genome position (GRCh38, 1-based): chr3:49,723,411, A>C on the plus strand (T>G on the coding strand, the complement: GMPPB is on the minus strand). VCF-style: chr3-49723411-A-C. GRCh37 (hg19) VCF-style: chr3-49760844-A-C.
Other names: c.191T>G, p.Met64Arg (NM_013334.4); short protein forms M64R.
Identifiers: ClinVar variation 2149997 (VCV002149997.1), dbSNP rs755508006, ClinGen allele CA352830640.